The following is an entry in ClinVar:

ClinVar aggregate classification (germline): Uncertain significance (1 of 4 stars; one submission).

Conditions:
Combined immunodeficiency due to DOCK8 deficiency (HIES2). Also called: HIES autosomal recessive; Hyper-IgE recurrent infection syndrome, autosomal recessive; DOCK8 Deficiency; HYPER-IgE RECURRENT INFECTION SYNDROME 2, AUTOSOMAL RECESSIVE; HYPER-IgE SYNDROME 2, AUTOSOMAL RECESSIVE, WITH RECURRENT INFECTIONS. Identifiers: Orphanet 217390, MedGen C4722305, MONDO:0009478, OMIM 243700.

Allele frequency attached by ClinVar (database versions not stated): gnomAD exomes below 0.00001.
gnomAD v4.1: 4 of 1,613,832 alleles (0.00025%); highest among the groups gnomAD compares: Non-Finnish European, 0.00034%; no homozygotes.

Submission:

Labcorp Genetics (formerly Invitae), Labcorp
Classification: Uncertain significance for Combined immunodeficiency due to DOCK8 deficiency. Last evaluated: 2023-12-11. Review status: criteria provided, single submitter. Criteria: Invitae Variant Classification Sherloc (09022015). Collection method: clinical testing. Allele origin: germline.
Comment: This sequence change replaces proline, which is neutral and non-polar, with alanine, which is neutral and non-polar, at codon 1123 of the DOCK8 protein (p.Pro1123Ala). This variant is not present in population databases (gnomAD no frequency). This variant has not been reported in the literature in individuals affected with DOCK8-related conditions. ClinVar contains an entry for this variant (Variation ID: 1381459). Advanced modeling of protein sequence and biophysical properties (such as structural, functional, and spatial information, amino acid conservation, physicochemical variation, residue mobility, and thermodynamic stability) performed at Invitae indicates that this missense variant is expected to disrupt DOCK8 protein function with a positive predictive value of 80%. In summary, the available evidence is currently insufficient to determine the role of this variant in disease. Therefore, it has been classified as a Variant of Uncertain Significance.

NM_203447.4(DOCK8):c.3367C>G (p.Pro1123Ala)

Gene: DOCK8 (dedicator of cytokinesis 8; plus strand). Cytogenetic location: 9p24.3.
Variant type: single nucleotide variant.
Coding change: c.3367C>G on transcript NM_203447.4 (MANE Select); coding-DNA position 3367, C replaced by G.
Protein change: p.Pro1123Ala; replaces proline 1123 with alanine.
Molecular consequence: missense variant.
Genome position (GRCh38, 1-based): chr9:405,050, C>G. VCF-style: chr9-405050-C-G. GRCh37 (hg19) VCF-style: chr9-405050-C-G.
Other names: c.3067C>G, p.Pro1023Ala (NM_001190458.2); c.3163C>G, p.Pro1055Ala (NM_001193536.2); short protein forms P1023A, P1055A, P1123A.
Identifiers: ClinVar variation 1381459 (VCV001381459.8), dbSNP rs2131535674, ClinGen allele CA372757930.
Genomic context (GRCh38, chr9:405,050, plus strand): 5'-CATGAGCATTACCTCAATCTGAACCTTTTTTTTATGAATGCTGATACTGCTCCAACATCT[C>G]CTTGTCCTTCCATATCTTCCCAGGTAATAAAAGAATTATTTAACTAAAAGAATTATTCAA-3'
Protein context (NP_982272.2, residues 1113-1133): FMNADTAPTS[Pro1123Ala]CPSISSQNSS